The following is an entry in ClinVar:

NM_178138.6(LHX3):c.79+1940_79+1941del

Gene: LHX3 (LIM homeobox 3; minus strand). Cytogenetic location: 9q34.3.
Variant type: Deletion.
Coding change: c.79+1940_79+1941del on transcript NM_178138.6 (MANE Select); bases 1940 to 1941 of the intron after coding-DNA position 79, 2 bases deleted (GG; older notation c.79+1940_79+1941delGG).
Molecular consequence: intron variant. On other transcripts: frameshift variant (1).
Genome position (GRCh38, 1-based): chr9:136,202,993-136,202,994, CC deleted on the plus strand (GG on the coding strand, the reverse complement: LHX3 is on the minus strand). VCF-style (leftmost placement, unchanged base first): chr9-136202992-GCC-G. GRCh37 (hg19) VCF-style: chr9-139094838-GCC-G.
Other names: c.46_47del, p.Gly16fs (NM_014564.5); short protein forms G16fs.
Identifiers: ClinVar variation 4996240 (VCV004996240.1).

ClinVar aggregate classification (germline): Uncertain significance (1 of 4 stars; one submission).

Conditions:
LHX3-related disorder. Also called: LHX3-related condition.

Submission:

PreventionGenetics, part of Exact Sciences
Classification: Uncertain significance for LHX3-related condition. Last evaluated: 2025-10-30. Review status: criteria provided, single submitter. Criteria: ACMG Guidelines, 2015. Collection method: clinical testing. Allele origin: germline.
Comment: The LHX3 c.46_47delGG variant is predicted to result in a frameshift and premature protein termination (p.Gly16Argfs*24). To our knowledge, this variant has not been reported in the literature or in a large population database (gnomAD), indicating it is rare. This variant impacts the coding sequence of an LHX3 transcript (NM_014564) with evidence of low RNA expression (gnomAD). In other transcripts, this variant falls within pre-coding (NM_001363746) or deep intronic (NM_178138) regions of the gene. To our knowledge, no loss-of-function variants in this exon have been associated with disease in the literature. Although we suspect this variant may be pathogenic, at this time the clinical significance is uncertain due to the absence of conclusive functional and genetic evidence.